The following is an entry in ClinVar:

ClinVar aggregate classification (germline): Uncertain significance. Review status: criteria provided, multiple submitters, no conflicts (2 of 4 stars). 3 submissions from 3 submitters: Uncertain significance (3). Last evaluated 2024-01-02.

Conditions:
Inborn genetic diseases. Identifiers: MedGen C0950123, MeSH D030342.
Charcot-Marie-Tooth disease type 4. Also called: Charcot-Marie-Tooth disease, type IV; Charcot-Marie-Tooth, Type 4. Identifiers: Orphanet 64749, MedGen C4082197, MONDO:0018995.

gnomAD v4.1: 1 of 1,614,070 alleles (0.000062%); no homozygotes.

Submissions (3):

Labcorp Genetics (formerly Invitae), Labcorp
Classification: Uncertain significance for Charcot-Marie-Tooth disease type 4. Last evaluated: 2024-01-02. Review status: criteria provided, single submitter. Criteria: Invitae Variant Classification Sherloc (09022015). Collection method: clinical testing. Allele origin: germline.
Comment: This sequence change replaces alanine, which is neutral and non-polar, with serine, which is neutral and polar, at codon 513 of the SH3TC2 protein (p.Ala513Ser). This variant is not present in population databases (gnomAD no frequency). This variant has not been reported in the literature in individuals affected with SH3TC2-related conditions. ClinVar contains an entry for this variant (Variation ID: 448366). Advanced modeling of protein sequence and biophysical properties (such as structural, functional, and spatial information, amino acid conservation, physicochemical variation, residue mobility, and thermodynamic stability) performed at Invitae indicates that this missense variant is not expected to disrupt SH3TC2 protein function with a negative predictive value of 95%. In summary, the available evidence is currently insufficient to determine the role of this variant in disease. Therefore, it has been classified as a Variant of Uncertain Significance.

Ambry Genetics
Classification: Uncertain significance for Inborn genetic diseases. Last evaluated: 2020-03-11. Review status: criteria provided, single submitter. Criteria: Ambry Variant Classification Scheme 2023. Collection method: clinical testing. Allele origin: germline.
Comment: The p.A513S variant (also known as c.1537G>T), located in coding exon 11 of the SH3TC2 gene, results from a G to T substitution at nucleotide position 1537. The alanine at codon 513 is replaced by serine, an amino acid with similar properties. This amino acid position is not well conserved in available vertebrate species. In addition, this alteration is predicted to be tolerated by in silico analysis. Since supporting evidence is limited at this time, the clinical significance of this alteration remains unclear.

Athena Diagnostics
Classification: Uncertain significance. Last evaluated: 2016-11-30. Review status: criteria provided, single submitter. Criteria: Athena Diagnostics Criteria. Collection method: clinical testing. Allele origin: germline.

NM_024577.4(SH3TC2):c.1537G>T (p.Ala513Ser)

Gene: SH3TC2 (SH3 domain and tetratricopeptide repeats 2; minus strand). Cytogenetic location: 5q32.
Variant type: single nucleotide variant.
Coding change: c.1537G>T on transcript NM_024577.4 (MANE Select); coding-DNA position 1537, G replaced by T.
Protein change: p.Ala513Ser; replaces alanine 513 with serine.
Molecular consequence: missense variant.
Genome position (GRCh38, 1-based): chr5:149,028,195, C>A on the plus strand (G>T on the coding strand, the complement: SH3TC2 is on the minus strand). VCF-style: chr5-149028195-C-A. GRCh37 (hg19) VCF-style: chr5-148407758-C-A.
Other names: short protein forms A513S.
Identifiers: ClinVar variation 448366 (VCV000448366.9), dbSNP rs1554121737, ClinGen allele CA361668306.